The following is an entry in ClinVar:

NM_002691.4(POLD1):c.1495-7T>C

Gene: POLD1 (DNA polymerase delta 1, catalytic subunit; plus strand). Cytogenetic location: 19q13.33.
Variant type: single nucleotide variant.
Coding change: c.1495-7T>C on transcript NM_002691.4 (MANE Select); 7 bases into the intron before coding-DNA position 1495, T replaced by C.
Molecular consequence: intron variant.
Genome position (GRCh38, 1-based): chr19:50,406,976, T>C. VCF-style: chr19-50406976-T-C. GRCh37 (hg19) VCF-style: chr19-50910233-T-C.
Other names: c.1495-7T>C (NM_001256849.1, NM_001308632.1).
Identifiers: ClinVar variation 697638 (VCV000697638.13), dbSNP rs767912818, ClinGen allele CA9596161.

ClinVar aggregate classification (germline): Likely benign. Review status: criteria provided, multiple submitters, no conflicts (2 of 4 stars). 3 submissions from 3 submitters: Likely benign (3). Last evaluated 2025-09-11.

Conditions:
POLD1-related polyposis and colorectal cancer syndrome (CRCS10). Also called: Colorectal cancer, susceptibility to, 10; Colorectal cancer 10; COLORECTAL CANCER, SUSCEPTIBILITY TO, ON CHROMOSOME 19q. Identifiers: Orphanet 220460, MedGen C2675481, MONDO:0012953, OMIM 612591.

Allele frequency attached by ClinVar (database versions not stated): gnomAD exomes below 0.00001 and 0.00005; ExAC 0.00001; gnomAD 0.00001; 1000 Genomes Project 30x 0.00016.

Submissions (3):

Labcorp Genetics (formerly Invitae), Labcorp
Classification: Likely benign for POLD1-related polyposis and colorectal cancer syndrome. Last evaluated: 2025-09-11. Review status: criteria provided, single submitter. Criteria: Invitae Variant Classification Sherloc (09022015). Collection method: clinical testing. Allele origin: germline.

Myriad Genetics, Inc.
Classification: Likely benign for POLD1-related polyposis and colorectal cancer syndrome. Last evaluated: 2025-02-06. Review status: criteria provided, single submitter. Criteria: Myriad Autosomal Dominant, Autosomal Recessive and X-Linked Classification Criteria (2023). Collection method: clinical testing. Allele origin: unknown.
Comment: This variant is considered likely benign. This variant is intronic and is not expected to impact mRNA splicing.

Quest Diagnostics Nichols Institute San Juan Capistrano
Classification: Likely benign. Last evaluated: 2020-11-10. Review status: criteria provided, single submitter. Criteria: Quest Diagnostics criteria. Collection method: clinical testing. Allele origin: unknown.